The following is an entry in ClinVar:

ClinVar aggregate classification (germline): Uncertain significance (1 of 4 stars; one submission).

Allele frequency attached by ClinVar (database versions not stated): gnomAD 0.00003; gnomAD exomes 0.00003; TOPMed 0.00005; ExAC 0.00018; ESP Exome Variant Server 0.00022.
gnomAD v4.1: 46 of 1,551,544 alleles (0.003%); highest among the groups gnomAD compares: South Asian, 0.027%; no homozygotes.

Submission:

Labcorp Genetics (formerly Invitae), Labcorp
Classification: Uncertain significance. Last evaluated: 2024-11-18. Review status: criteria provided, single submitter. Criteria: Invitae Variant Classification Sherloc (09022015). Collection method: clinical testing. Allele origin: germline.
Comment: This sequence change replaces proline, which is neutral and non-polar, with leucine, which is neutral and non-polar, at codon 1655 of the TET2 protein (p.Pro1655Leu). This variant is present in population databases (rs372419310, gnomAD 0.01%). This variant has not been reported in the literature in individuals affected with TET2-related conditions. ClinVar contains an entry for this variant (Variation ID: 2915643). An algorithm developed to predict the effect of missense changes on protein structure and function (PolyPhen-2) suggests that this variant is likely to be disruptive. In summary, the available evidence is currently insufficient to determine the role of this variant in disease. Therefore, it has been classified as a Variant of Uncertain Significance.

NM_001127208.3(TET2):c.4964C>T (p.Pro1655Leu)

Genes: TET2 (tet methylcytosine dioxygenase 2; plus strand), TET2-AS1 (TET2 antisense RNA 1; minus strand). Cytogenetic location: 4q24.
Variant type: single nucleotide variant.
Coding change: c.4964C>T on transcript NM_001127208.3 (MANE Select); coding-DNA position 4964, C replaced by T.
Protein change: p.Pro1655Leu; replaces proline 1655 with leucine.
Molecular consequence: missense variant.
Genome position (GRCh38, 1-based): chr4:105,275,474, C>T. VCF-style: chr4-105275474-C-T. GRCh37 (hg19) VCF-style: chr4-106196631-C-T.
Other names: short protein forms P1655L.
Identifiers: ClinVar variation 2915643 (VCV002915643.3), dbSNP rs372419310, ClinGen allele CA3032239.
Genomic context (GRCh38, chr4:105,275,474, plus strand): 5'-GAAACCTATCAGTGGACAACTGCTCCCCATATCTGGGTTCCTATTCTCCCCAGTCTCAGC[C>T]GATGGATCTGTATAGGTATCCAAGCCAAGACCCTCTGTCTAAGCTCAGTCTACCACCCAT-3'
Protein context (NP_001120680.1, residues 1645-1665): YLGSYSPQSQ[Pro1655Leu]MDLYRYPSQD